The following is an entry in ClinVar:

NM_006160.4(NEUROD2):c.230G>A (p.Gly77Asp)

Gene: NEUROD2 (neuronal differentiation 2; minus strand). Cytogenetic location: 17q12.
Variant type: single nucleotide variant.
Coding change: c.230G>A on transcript NM_006160.4 (MANE Select); coding-DNA position 230, G replaced by A.
Protein change: p.Gly77Asp; replaces glycine 77 with aspartic acid.
Molecular consequence: missense variant.
Genome position (GRCh38, 1-based): chr17:39,606,370, C>T on the plus strand (G>A on the coding strand, the complement: NEUROD2 is on the minus strand). VCF-style: chr17-39606370-C-T. GRCh37 (hg19) VCF-style: chr17-37762623-C-T.
Other names: short protein forms G77D.
Identifiers: ClinVar variation 4119002 (VCV004119002.3).

ClinVar aggregate classification (germline): Uncertain significance. Review status: criteria provided, multiple submitters, no conflicts (2 of 4 stars). 2 submissions from 2 submitters: Uncertain significance (2). Last evaluated 2026-04-17.

Conditions:
Inborn genetic diseases. Identifiers: MedGen C0950123, MeSH D030342.

Submissions (2):

Dasa
Classification: Uncertain significance. Last evaluated: 2026-04-17. Review status: criteria provided, single submitter. Criteria: DASA Assertion Criteria. Collection method: clinical testing. Allele origin: germline.
Comment: NM_006160.4(NEUROD2):c.230G>A (p.Gly77Asp) is a missense variant that results in the substitution of glycine with aspartic acid. This variant is rare in population databases. The currently available literature and clinical evidence are not sufficient to establish a definitive association between this variant and the reported condition. Therefore, this variant is classified as a variant of uncertain significance.

Ambry Genetics
Classification: Uncertain significance for Inborn genetic diseases. Last evaluated: 2025-09-05. Review status: criteria provided, single submitter. Criteria: Ambry Variant Classification Scheme 2023. Collection method: clinical testing. Allele origin: germline.